The following is an entry in ClinVar:

ClinVar aggregate classification (germline): Likely pathogenic (1 of 4 stars; one submission).

Submission:

GeneDx
Classification: Likely pathogenic. Last evaluated: 2018-04-09. Review status: criteria provided, single submitter. Criteria: GeneDx Variant Classification (06012015). Collection method: clinical testing. Allele origin: germline. Affected: yes.
Comment: The c.111dupT variant in the PTRH2 gene has not been reported previously as a pathogenic variant nor as a benign variant, to our knowledge. The c.111dupT variant causes a frameshift starting with codon Glycine 38, changes this amino acid to a Tryptophan residue, and creates a premature Stop codon at position 16 of the new reading frame, denoted p.Gly38TrpfsX16. This variant is predicted to cause loss of normal protein function through protein truncation. The c.111dupT variant is not observed in large population cohorts (Lek et al., 2016). We interpret c.111dupT as a likely pathogenic variant.

NM_016077.5(PTRH2):c.111dup (p.Gly38fs)

Gene: PTRH2 (peptidyl-tRNA hydrolase 2; minus strand). Cytogenetic location: 17q23.1.
Variant type: Duplication.
Coding change: c.111dup on transcript NM_016077.5 (MANE Select); coding-DNA position 111, one base duplicated (T; older notation c.111dupT).
Protein change: p.Gly38fs; shifts the reading frame from glycine 38.
Molecular consequence: frameshift variant.
Genome position (GRCh38, 1-based): chr17:59,697,868, A duplicated on the plus strand (T on the coding strand, the reverse complement: PTRH2 is on the minus strand); the first of 3 consecutive A bases (chr17:59,697,868-59,697,870); duplicating any one gives the same sequence. VCF-style (leftmost placement, unchanged base first): chr17-59697867-C-CA. GRCh37 (hg19) VCF-style: chr17-57775228-C-CA.
Other names: c.114dup, p.Gly39fs (NM_001015509.3); c.111dupT (NM_016077.4); short protein forms G39fs, G38fs.
Identifiers: ClinVar variation 524094 (VCV000524094.2), dbSNP rs1555609200, ClinGen allele CA658798910.